The following is an entry in ClinVar:

ClinVar aggregate classification (germline): Pathogenic. Review status: criteria provided, multiple submitters, no conflicts (2 of 4 stars). 7 submissions from 7 submitters: Pathogenic (4). 3 of the submissions do not count toward it. Last evaluated 2023-11-05.

Conditions:
Inborn genetic diseases. Identifiers: MedGen C0950123, MeSH D030342.
Takenouchi-Kosaki syndrome. Also called: Macrothrombocytopenia-lymphedema-developmental delay-facial dysmorphism-camptodactyly syndrome; MACROTHROMBOCYTOPENIA AND MENTAL RETARDATION SYNDROME. Identifiers: Orphanet 487796, MedGen C4225222, MONDO:0014757, OMIM 616737.
Neurodevelopmental abnormality. Identifiers: MedGen C4022737, HP:0012759.
Postnatal growth retardation. Identifiers: MedGen C1859778, HP:0008897.
Abnormality of blood and blood-forming tissues. Identifiers: MedGen C0850715, HP:0001871.
Abnormality of the immune system. Identifiers: MedGen C4021753, HP:0002715.
Abnormal facial shape. Also called: Dysmorphic facial features; Dysmorphic facies. Identifiers: MedGen C0424503, HP:0001999.

Submissions (7):

GeneDx
Classification: Pathogenic. Last evaluated: 2023-11-05. Review status: criteria provided, single submitter. Criteria: GeneDx Variant Classification Process June 2021. Collection method: clinical testing. Allele origin: germline. Affected: yes.
Comment: Published functional studies demonstrate mild decrease in GAP-stimulated GTP hydrolysis and markedly impaired effector binding (PMID: 29394990, 27513193); Not observed at significant frequency in large population cohorts (gnomAD); This variant is associated with the following publications: (PMID: 32231661, 30055020, 33547421, 30696065, 27513193, 28991257, 31231135, 35482294, 32368696, 35139179, 37204479, 29394990)

Greenwood Genetic Center Diagnostic Laboratories, Greenwood Genetic Center
Classification: Pathogenic for Takenouchi-Kosaki syndrome. Last evaluated: 2023-08-25. Review status: criteria provided, single submitter. Criteria: ACMG Guidelines, 2015. Collection method: clinical testing. Allele origin: germline. Affected: yes.
Comment: PS4, PM2, PM6_Strong, PP3

New York Genome Center
Classification: Pathogenic for Takenouchi-Kosaki syndrome. Last evaluated: 2023-07-07. Review status: criteria provided, single submitter. Criteria: NYGC Assertion Criteria 2020. Collection method: clinical testing. Allele origin: germline. Affected: yes. Observed: 1 variant allele, 1 heterozygote.
Comment: The c.196A>G, p.(Arg66Gly) variant identified in the CDC42 gene is a substitution of a well conserved Arginine for Glycine at amino acid66/192 within the Switch II region of CDC42 [PMID:29394990]. This variant is absent from population databases (gnomADv2.1.1, gnomADv3.1.2, BRAVO-TOPMed, Allof Us) suggesting it is not a common benign variant in the populations represented in those databases. In silico algorithms predict this variant to be disruptive to protein function (REVEL=0.836). The c.196A>G, p.(Arg66Gly) variant is reported as Pathogenic/Likely Pathogenic in ClinVar (VarID:208668) and has been identified in five individuals in the literature, and was confirmed de novo in three of those five individuals with unknown inheritance in the remaining two [PMID:29394990,31231135, 27513193, 28991257]. Functional studies show the p.Arg66Gly variant has altered and/or impaired ability to interact with binding partners and mildlydecreased GAP-stimulated GTP hydrolysis [PMID:29394990]. Given its presence in multiple affected individuals in the literature, including three in which it was identified de novo, its absence in population databases, functional studies demonstrating altered function, and in silico predictions of a damaging effect to protein function, the c.196A>G, p.(Arg66Gly) variant identified in the CDC42 gene is reported as Pathogenic.

Ambry Genetics
Classification: Pathogenic for Inborn genetic diseases. Last evaluated: 2018-01-04. Review status: criteria provided, single submitter. Criteria: Ambry exome assertion method (8-5-2015). Collection method: clinical testing. Allele origin: germline. Affected: yes. Observed: 1 variant allele.

OMIM
Classification: Pathogenic for TAKENOUCHI-KOSAKI SYNDROME. Last evaluated: 2018-04-06. Review status: no assertion criteria provided. Collection method: literature only. Allele origin: germline. Not counted in ClinVar's aggregate classification.

Cytogénomique, Hospices Civils de Lyon
Classification: Pathogenic for Takenouchi-Kosaki syndrome. Review status: no assertion criteria provided. Collection method: clinical testing. Allele origin: de novo. Inheritance: Autosomal dominant inheritance. Affected: yes. Not counted in ClinVar's aggregate classification.

University of Washington Center for Mendelian Genomics, University of Washington
Classification: Likely pathogenic for Postnatal growth retardation; Abnormal facial shape; Neurodevelopmental abnormality; Abnormality of the immune system; Abnormality of blood and blood-forming tissues. Review status: no assertion criteria provided. Collection method: research. Allele origin: de novo. Affected: yes. Not counted in ClinVar's aggregate classification.

Literature cited by the submitters: PubMed 29394990 (cited by 4 submitters); PubMed 31231135 (cited by New York Genome Center); PubMed 27513193 (cited by New York Genome Center); PubMed 28991257 (cited by New York Genome Center and Ambry Genetics).

NM_001791.4(CDC42):c.196A>G (p.Arg66Gly)

Gene: CDC42 (cell division cycle 42; plus strand). Cytogenetic location: 1p36.12.
Variant type: single nucleotide variant.
Coding change: c.196A>G on transcript NM_001791.4 (MANE Select); coding-DNA position 196, A replaced by G.
Protein change: p.Arg66Gly; replaces arginine 66 with glycine.
Molecular consequence: missense variant.
Genome position (GRCh38, 1-based): chr1:22,086,456, A>G. VCF-style: chr1-22086456-A-G. GRCh37 (hg19) VCF-style: chr1-22412949-A-G.
Other names: c.196A>G, p.Arg66Gly (NM_001039802.2, NM_044472.3); short protein forms R66G.
Identifiers: ClinVar variation 208668 (VCV000208668.9), dbSNP rs797044870, ClinGen allele CA204641.
Genomic context (GRCh38, chr1:22,086,456, plus strand): 5'-GATTCAGTTGCTGAATTCTCTCCAATATTTTTCTTTTTTCTAGGGCAAGAGGATTATGAC[A>G]GATTACGACCGCTGAGTTATCCACAAACAGATGTATTTCTAGTCTGTTTTTCAGTGGTCT-3'
Protein context (NP_001782.1, residues 56-76): FDTAGQEDYD[Arg66Gly]LRPLSYPQTD